The following is an entry in ClinVar:

ClinVar aggregate classification (germline): Conflicting classifications of pathogenicity. Review status: criteria provided, conflicting classifications (1 of 4 stars). 4 submissions from 4 submitters: Uncertain significance (3); Likely benign (1). Last evaluated 2024-11-22.

Conditions:
Intellectual disability. Also called: intellectual disabilities; Intellectual functioning disability; Intellectual developmental disorder. Identifiers: MedGen C3714756, MeSH D008607, MONDO:0001071, HP:0001249.
Bohring-Opitz syndrome. Also called: BOHRING SYNDROME; OPITZ TRIGONOCEPHALY-LIKE SYNDROME; ASXL1-Related Bohring-Opitz Syndrome; C-LIKE SYNDROME. Identifiers: Orphanet 97297, MedGen C0796232, MONDO:0011510, OMIM 605039.

Allele frequency attached by ClinVar (database versions not stated): ExAC 0.00002; gnomAD exomes 0.00002 and 0.00005; TOPMed 0.00002; ESP Exome Variant Server 0.00008.
gnomAD v4.1: 68 of 1,614,186 alleles (0.0042%); highest among the groups gnomAD compares: Middle Eastern, 0.016%; no homozygotes.

Submissions (4):

Blueprint Genetics
Classification: Likely benign. Last evaluated: 2024-11-22. Review status: criteria provided, single submitter. Criteria: ACMG Guidelines, 2015. Collection method: clinical testing. Allele origin: germline.

Revvity Omics, Revvity
Classification: Uncertain significance for Bohring-Opitz syndrome. Last evaluated: 2023-10-31. Review status: criteria provided, single submitter. Criteria: ACMG Guidelines, 2015. Collection method: clinical testing. Allele origin: germline.

Labcorp Genetics (formerly Invitae), Labcorp
Classification: Uncertain significance. Last evaluated: 2023-05-22. Review status: criteria provided, single submitter. Criteria: Invitae Variant Classification Sherloc (09022015). Collection method: clinical testing. Allele origin: germline.
Comment: This variant is present in population databases (rs367744979, gnomAD 0.01%). In summary, the available evidence is currently insufficient to determine the role of this variant in disease. Therefore, it has been classified as a Variant of Uncertain Significance. Algorithms developed to predict the effect of missense changes on protein structure and function output the following: SIFT: "Not Available"; PolyPhen-2: "Benign"; Align-GVGD: "Not Available". The leucine amino acid residue is found in multiple mammalian species, which suggests that this missense change does not adversely affect protein function. ClinVar contains an entry for this variant (Variation ID: 1377636). This variant has not been reported in the literature in individuals affected with ASXL1-related conditions. This sequence change replaces proline, which is neutral and non-polar, with leucine, which is neutral and non-polar, at codon 1134 of the ASXL1 protein (p.Pro1134Leu).

Cambridge Genomics Laboratory, East Genomic Laboratory Hub, NHS Genomic Medicine Service
Classification: Uncertain significance for Intellectual disability. Last evaluated: 2020-02-11. Review status: criteria provided, single submitter. Criteria: ACGS Best Practice Guidelines for Variant Classification in Rare Disease 2020. Collection method: clinical testing. Allele origin: germline. Affected: yes. Observed: 1 variant allele.

NM_015338.6(ASXL1):c.3401C>T (p.Pro1134Leu)

Gene: ASXL1 (ASXL transcriptional regulator 1; plus strand). Cytogenetic location: 20q11.21.
Variant type: single nucleotide variant.
Coding change: c.3401C>T on transcript NM_015338.6 (MANE Select); coding-DNA position 3401, C replaced by T.
Protein change: p.Pro1134Leu; replaces proline 1134 with leucine.
Molecular consequence: missense variant.
Genome position (GRCh38, 1-based): chr20:32,436,113, C>T. VCF-style: chr20-32436113-C-T. GRCh37 (hg19) VCF-style: chr20-31023916-C-T.
Other names: c.3218C>T, p.Pro1073Leu (NM_001363734.1); c.3401C>T (NM_015338.5); short protein forms P1073L, P1134L.
Identifiers: ClinVar variation 1377636 (VCV001377636.12), dbSNP rs367744979, ClinGen allele CA9808811.